The following is an entry in ClinVar:

ClinVar aggregate classification (germline): Likely benign. Review status: criteria provided, multiple submitters, no conflicts (2 of 4 stars). 3 submissions from 3 submitters: Likely benign (3). Last evaluated 2025-07-03.

Allele frequency attached by ClinVar (database versions not stated): TOPMed 0.00004.
gnomAD v4.1: 103 of 1,601,538 alleles (0.0064%); highest among the groups gnomAD compares: Non-Finnish European, 0.0083%; no homozygotes.

Submissions (3):

Labcorp Genetics (formerly Invitae), Labcorp
Classification: Likely benign. Last evaluated: 2025-07-03. Review status: criteria provided, single submitter. Criteria: Invitae Variant Classification Sherloc (09022015). Collection method: clinical testing. Allele origin: germline.

Blueprint Genetics
Classification: Likely benign. Last evaluated: 2022-08-04. Review status: criteria provided, single submitter. Criteria: ACMG Guidelines, 2015. Collection method: clinical testing. Allele origin: germline.

GeneDx
Classification: Likely benign. Last evaluated: 2017-12-04. Review status: criteria provided, single submitter. Criteria: GeneDx Variant Classification (06012015). Collection method: clinical testing. Allele origin: germline. Affected: yes.
Comment: This variant is considered likely benign or benign based on one or more of the following criteria: it is a conservative change, it occurs at a poorly conserved position in the protein, it is predicted to be benign by multiple in silico algorithms, and/or has population frequency not consistent with disease.

NM_024120.5(NDUFAF5):c.862+14A>G

Gene: NDUFAF5 (NADH:ubiquinone oxidoreductase complex assembly factor 5; plus strand). Cytogenetic location: 20p12.1.
Variant type: single nucleotide variant.
Coding change: c.862+14A>G on transcript NM_024120.5 (MANE Select); 14 bases into the intron after coding-DNA position 862, A replaced by G.
Molecular consequence: intron variant.
Genome position (GRCh38, 1-based): chr20:13,816,560, A>G. VCF-style: chr20-13816560-A-G. GRCh37 (hg19) VCF-style: chr20-13797206-A-G.
Other names: c.301+14A>G (NM_001352407.2, NM_001352406.2); c.778+14A>G (NM_001039375.3); c.391+14A>G (NM_001352403.2).
Identifiers: ClinVar variation 513509 (VCV000513509.5), dbSNP rs764417651, ClinGen allele CA9767906.
Genomic context (GRCh38, chr20:13,816,560, plus strand): 5'-CCTGCTGCATCGAGACACAATGCTGGCAGCTGCGGCAGTGTACAGAGGTAAGGGGCGACC[A>G]CTCTTTCACCCGCCTCACCAAGGCACTTGTGCTGTATCATGTTGATTCCCTTCACGTTGC-3'